The following is an entry in ClinVar:

ClinVar aggregate classification (germline): Uncertain significance. Review status: criteria provided, multiple submitters, no conflicts (2 of 4 stars). 2 submissions from 2 submitters: Uncertain significance (2). Last evaluated 2025-01-08.

Conditions:
Inborn genetic diseases. Identifiers: MedGen C0950123, MeSH D030342.

Submissions (2):

Labcorp Genetics (formerly Invitae), Labcorp
Classification: Uncertain significance. Last evaluated: 2025-01-08. Review status: criteria provided, single submitter. Criteria: Invitae Variant Classification Sherloc (09022015). Collection method: clinical testing. Allele origin: germline.
Comment: This sequence change replaces serine, which is neutral and polar, with proline, which is neutral and non-polar, at codon 2296 of the PCLO protein (p.Ser2296Pro). This variant is not present in population databases (gnomAD no frequency). This variant has not been reported in the literature in individuals affected with PCLO-related conditions. Experimental studies and prediction algorithms are not available or were not evaluated, and the functional significance of this variant is currently unknown. In summary, the available evidence is currently insufficient to determine the role of this variant in disease. Therefore, it has been classified as a Variant of Uncertain Significance.

Ambry Genetics
Classification: Uncertain significance for Inborn genetic diseases. Last evaluated: 2024-06-17. Review status: criteria provided, single submitter. Criteria: Ambry Variant Classification Scheme 2023. Collection method: clinical testing. Allele origin: germline.

NM_033026.6(PCLO):c.6886T>C (p.Ser2296Pro)

Gene: PCLO (piccolo presynaptic cytomatrix protein; minus strand). Cytogenetic location: 7q21.11.
Variant type: single nucleotide variant.
Coding change: c.6886T>C on transcript NM_033026.6 (MANE Select); coding-DNA position 6886, T replaced by C.
Protein change: p.Ser2296Pro; replaces serine 2296 with proline.
Molecular consequence: missense variant.
Genome position (GRCh38, 1-based): chr7:82,954,067, A>G on the plus strand (T>C on the coding strand, the complement: PCLO is on the minus strand). VCF-style: chr7-82954067-A-G. GRCh37 (hg19) VCF-style: chr7-82583383-A-G.
Other names: c.6886T>C, p.Ser2296Pro (NM_014510.3); short protein forms S2296P.
Identifiers: ClinVar variation 3305163 (VCV003305163.3).
Genomic context (GRCh38, chr7:82,954,067, plus strand): 5'-CTTCCAGAATGATTCCATTCCCAGTTTCCTTCTTGGCTTTCTTCACTGGGTCCTTTTCAG[A>G]TATAAGTAAGTCAGTAGAAACAGTGTCAGCAACTGGCCCTTCAGGTTTAGGTACTACAGA-3'
Protein context (NP_149015.2, residues 2286-2306): ADTVSTDLLI[Ser2296Pro]EKDPVKKAKK